The following is an entry in ClinVar:

ClinVar aggregate classification (germline): Uncertain significance (1 of 4 stars; one submission).

Submission:

Labcorp Genetics (formerly Invitae), Labcorp
Classification: Uncertain significance. Last evaluated: 2025-08-19. Review status: criteria provided, single submitter. Criteria: Invitae Variant Classification Sherloc (09022015). Collection method: clinical testing. Allele origin: germline.
Comment: This sequence change replaces glycine, which is neutral and non-polar, with arginine, which is basic and polar, at codon 7 of the SRP72 protein (p.Gly7Arg). This variant is not present in population databases (gnomAD no frequency). This variant has not been reported in the literature in individuals affected with SRP72-related conditions. ClinVar contains an entry for this variant (Variation ID: 2189018). An algorithm developed to predict the effect of missense changes on protein structure and function (PolyPhen-2) suggests that this variant is likely to be disruptive. In summary, the available evidence is currently insufficient to determine the role of this variant in disease. Therefore, it has been classified as a Variant of Uncertain Significance.

NM_006947.4(SRP72):c.19G>A (p.Gly7Arg)

Genes: SRP72 (signal recognition particle 72; plus strand), LOC129992625 (ATAC-STARR-seq lymphoblastoid active region 21580; plus strand). Cytogenetic location: 4q12.
Variant type: single nucleotide variant.
Coding change: c.19G>A on transcript NM_006947.4 (MANE Select); coding-DNA position 19, G replaced by A.
Protein change: p.Gly7Arg; replaces glycine 7 with arginine.
Molecular consequence: missense variant. On other transcripts: non-coding transcript variant (1).
Genome position (GRCh38, 1-based): chr4:56,467,654, G>A. VCF-style: chr4-56467654-G-A. GRCh37 (hg19) VCF-style: chr4-57333820-G-A.
Other names: c.19G>A, p.Gly7Arg (NM_001267722.2); short protein forms G7R.
Identifiers: ClinVar variation 2189018 (VCV002189018.4), dbSNP rs17524437, ClinGen allele CA356995544.
Genomic context (GRCh38, chr4:56,467,654, plus strand): 5'-CGGGGCAGAGGTCTCCCCGCCCCGCCCCTCGTCTCCTCCAAGATGGCGAGCGGCGGCAGC[G>A]GGGGGGTGTCAGTACCTGCGCTGTGGAGTGAAGTGAACCGGTATGGCCAGAACGGCGACT-3'
Protein context (NP_008878.3, residues 1-17): MASGGS[Gly7Arg]GVSVPALWSE